The following is an entry in ClinVar:

NM_006059.4(LAMC3):c.3899C>T (p.Thr1300Met)

Gene: LAMC3 (laminin subunit gamma 3; plus strand). Cytogenetic location: 9q34.12.
Variant type: single nucleotide variant.
Coding change: c.3899C>T on transcript NM_006059.4 (MANE Select); coding-DNA position 3899, C replaced by T.
Protein change: p.Thr1300Met; replaces threonine 1300 with methionine.
Molecular consequence: missense variant.
Genome position (GRCh38, 1-based): chr9:131,079,270, C>T. VCF-style: chr9-131079270-C-T. GRCh37 (hg19) VCF-style: chr9-133954657-C-T.
Other names: short protein forms T1300M.
Identifiers: ClinVar variation 1435953 (VCV001435953.3), dbSNP rs142459109, ClinGen allele CA5287972.

ClinVar aggregate classification (germline): Uncertain significance (1 of 4 stars; one submission).

Allele frequency attached by ClinVar (database versions not stated): gnomAD exomes 0.00002 and 0.00003; ExAC 0.00003; TOPMed 0.00003; gnomAD 0.00005; ESP Exome Variant Server 0.00015.
gnomAD v4.1: 39 of 1,614,092 alleles (0.0024%); highest among the groups gnomAD compares: Admixed American, 0.0033%; no homozygotes.

Submission:

Labcorp Genetics (formerly Invitae), Labcorp
Classification: Uncertain significance. Last evaluated: 2022-08-31. Review status: criteria provided, single submitter. Criteria: Invitae Variant Classification Sherloc (09022015). Collection method: clinical testing. Allele origin: germline.
Comment: This sequence change replaces threonine, which is neutral and polar, with methionine, which is neutral and non-polar, at codon 1300 of the LAMC3 protein (p.Thr1300Met). This variant is present in population databases (rs142459109, gnomAD 0.006%). This variant has not been reported in the literature in individuals affected with LAMC3-related conditions. ClinVar contains an entry for this variant (Variation ID: 1435953). Algorithms developed to predict the effect of missense changes on protein structure and function output the following: SIFT: "Tolerated"; PolyPhen-2: "Benign"; Align-GVGD: "Class C0". The methionine amino acid residue is found in multiple mammalian species, which suggests that this missense change does not adversely affect protein function. In summary, the available evidence is currently insufficient to determine the role of this variant in disease. Therefore, it has been classified as a Variant of Uncertain Significance.